The following is an entry in ClinVar:

Conditions:
Long QT syndrome 5 (LQT5). Identifiers: Orphanet 101016, Orphanet 768, MedGen C1867904, MONDO:0013372, OMIM 613695.

Submission:

Roden Lab, Vanderbilt University Medical Center
No classification provided (evidence only). Condition: Long QT syndrome 5. Review status: no classification provided. Collection method: in vitro. Allele origin: not applicable. Functional consequence: Effect on ion channel function.
ClinVar note: "not provided" was previously submitted as the classification for the variant. However, the classification appeared to be based only on an observation of functional data so it was converted to no classification on 2025-07-30.

NM_000219.6(KCNE1):c.250T>G (p.Ser84Ala)

Gene: KCNE1 (potassium voltage-gated channel subfamily E regulatory subunit 1; minus strand). Cytogenetic location: 21q22.12.
Variant type: single nucleotide variant.
Coding change: c.250T>G on transcript NM_000219.6 (MANE Select); coding-DNA position 250, T replaced by G.
Protein change: p.Ser84Ala; replaces serine 84 with alanine.
Molecular consequence: missense variant.
Genome position (GRCh38, 1-based): chr21:34,449,385, A>C on the plus strand (T>G on the coding strand, the complement: KCNE1 is on the minus strand). VCF-style: chr21-34449385-A-C. GRCh37 (hg19) VCF-style: chr21-35821683-A-C.
Other names: c.250T>G, p.Ser84Ala (NM_001127668.4, NM_001127669.4, NM_001127670.4 and 4 more transcripts); short protein forms S84A.
Identifiers: ClinVar variation 3374439 (VCV003374439.2).